The following is an entry in ClinVar:

NM_000243.3(MEFV):c.42G>A (p.Glu14=)

Gene: MEFV (MEFV innate immunity regulator, pyrin; minus strand). Cytogenetic location: 16p13.3.
Variant type: single nucleotide variant.
Coding change: c.42G>A on transcript NM_000243.3 (MANE Select); coding-DNA position 42, G replaced by A.
Protein change: p.Glu14=; no amino-acid change (glutamic acid 14 retained).
Molecular consequence: synonymous variant.
Genome position (GRCh38, 1-based): chr16:3,256,546, C>T on the plus strand (G>A on the coding strand, the complement: MEFV is on the minus strand). VCF-style: chr16-3256546-C-T. GRCh37 (hg19) VCF-style: chr16-3306546-C-T.
Other names: p.E14E:GAG>GAA; p.Glu14=; c.42G>A, p.Glu14= (NM_001198536.2).
Identifiers: ClinVar variation 138208 (VCV000138208.83), dbSNP rs113314808, ClinGen allele CA292057.

ClinVar aggregate classification (germline): Conflicting classifications of pathogenicity. Review status: criteria provided, conflicting classifications (1 of 4 stars). 13 submissions from 13 submitters: Uncertain significance (1); Benign (3); Likely benign (6). 3 of the submissions do not count toward it. Last evaluated 2026-06-01.

Conditions:
Autoinflammatory syndrome. Identifiers: Orphanet 93665, MedGen C3890737, MONDO:0019751.
MEFV-related disorder. Also called: MEFV-related disorders; MEFV-related condition.
Inborn genetic diseases. Identifiers: MedGen C0950123, MeSH D030342.
Familial Mediterranean fever (FMF). Also called: Periodic peritonitis; Benign paroxysmal peritonitis; POLYSEROSITIS, FAMILIAL PAROXYSMAL; POLYSEROSITIS, RECURRENT. Identifiers: Orphanet 342, MedGen C0031069, MONDO:0018088, OMIM 249100. Disease mechanism: gain of function.

Allele frequency attached by ClinVar (database versions not stated): gnomAD exomes 0.00032 and 0.00094; ExAC 0.00108; 1000 Genomes Project 30x 0.00219; 1000 Genomes Project 0.00240; gnomAD 0.00340 and 0.00369; TOPMed 0.00377; ESP Exome Variant Server 0.00439.
gnomAD v4.1: 1,026 of 1,614,218 alleles (0.064%); highest among the groups gnomAD compares: African/African-American, 1.1%; 5 homozygotes.

Submissions (13):

CeGaT Center for Human Genetics Tuebingen
Classification: Likely benign. Last evaluated: 2026-06-01. Review status: criteria provided, single submitter. Criteria: CeGaT Center For Human Genetics Tuebingen Variant Classification Criteria Version 2. Collection method: clinical testing. Allele origin: germline. Affected: yes. Observed: 2 variant alleles.
Comment: MEFV: BP4, BP7, BS1

Labcorp Genetics (formerly Invitae), Labcorp
Classification: Benign for Familial Mediterranean fever. Last evaluated: 2026-02-04. Review status: criteria provided, single submitter. Criteria: Invitae Variant Classification Sherloc (09022015). Collection method: clinical testing. Allele origin: germline.

Mayo Clinic Laboratories, Mayo Clinic
Classification: Likely benign. Last evaluated: 2025-12-14. Review status: criteria provided, single submitter. Criteria: ACMG Guidelines, 2015. Collection method: clinical testing. Allele origin: germline. Observed: 5 variant alleles.
Comment: BS1, BP4, BP7

Blueprint Genetics
Classification: Likely benign. Last evaluated: 2024-10-17. Review status: criteria provided, single submitter. Criteria: ACMG Guidelines, 2015. Collection method: clinical testing. Allele origin: germline.

Genome Diagnostics Laboratory, The Hospital for Sick Children
Classification: Likely benign for Autoinflammatory syndrome. Last evaluated: 2022-04-19. Review status: criteria provided, single submitter. Criteria: ACMG Guidelines, 2015. Collection method: clinical testing. Allele origin: germline. Affected: yes.

Ambry Genetics
Classification: Likely benign for Inborn genetic diseases. Last evaluated: 2022-04-01. Review status: criteria provided, single submitter. Criteria: Ambry Variant Classification Scheme 2023. Collection method: clinical testing. Allele origin: germline.

Women's Health and Genetics/Laboratory Corporation of America, LabCorp
Classification: Likely benign. Last evaluated: 2020-09-26. Review status: criteria provided, single submitter. Criteria: LabCorp Variant Classification Summary - May 2015. Collection method: clinical testing. Allele origin: germline.

ARUP Laboratories, Molecular Genetics and Genomics, ARUP Laboratories
Classification: Benign. Last evaluated: 2019-07-23. Review status: criteria provided, single submitter. Criteria: ARUP Molecular Germline Variant Investigation Process. Collection method: clinical testing. Allele origin: germline.

Illumina Laboratory Services, Illumina
Classification: Uncertain significance for Familial Mediterranean fever. Last evaluated: 2017-04-28. Review status: criteria provided, single submitter. Criteria: ICSL Variant Classification Criteria 13 December 2019. Collection method: clinical testing. Allele origin: germline.

GeneDx
Classification: Benign. Last evaluated: 2012-01-23. Review status: criteria provided, single submitter. Criteria: GeneDx Variant Classification (06012015). Collection method: clinical testing. Allele origin: germline. Affected: yes.
Comment: This variant is considered likely benign or benign based on one or more of the following criteria: it is a conservative change, it occurs at a poorly conserved position in the protein, it is predicted to be benign by multiple in silico algorithms, and/or has population frequency not consistent with disease.

Molecular Genetics Laboratory, BC Children's and BC Women's Hospitals
Classification: Likely benign for Familial Mediterranean fever. Last evaluated: 2022-06-15. Review status: no assertion criteria provided. Criteria: ACMG Guidelines, 2015. Collection method: clinical testing. Allele origin: germline. Not counted in ClinVar's aggregate classification.

Natera, Inc.
Classification: Likely benign for Familial Mediterranean fever. Last evaluated: 2019-12-05. Review status: no assertion criteria provided. Collection method: clinical testing. Allele origin: germline. Not counted in ClinVar's aggregate classification.

PreventionGenetics, part of Exact Sciences
Classification: Benign for MEFV-related condition. Last evaluated: 2019-08-21. Review status: no assertion criteria provided. Collection method: clinical testing. Allele origin: germline. Not counted in ClinVar's aggregate classification.
Comment: This variant is classified as benign based on ACMG/AMP sequence variant interpretation guidelines (Richards et al. 2015 PMID: 25741868, with internal and published modifications).